The following is an entry in ClinVar:

NM_001289808.2(CRYAB):c.469C>T (p.Arg157Cys)

Gene: CRYAB (crystallin alpha B; minus strand). Cytogenetic location: 11q23.1.
Variant type: single nucleotide variant.
Coding change: c.469C>T on transcript NM_001289808.2 (MANE Select); coding-DNA position 469, C replaced by T.
Protein change: p.Arg157Cys; replaces arginine 157 with cysteine.
Molecular consequence: missense variant.
Genome position (GRCh38, 1-based): chr11:111,908,823, G>A on the plus strand (C>T on the coding strand, the complement: CRYAB is on the minus strand). VCF-style: chr11-111908823-G-A. GRCh37 (hg19) VCF-style: chr11-111779547-G-A.
Other names: c.469C>T, p.Arg157Cys (NM_001289807.1, NM_001368245.1, NM_001885.3); c.268C>T, p.Arg90Cys (NM_001330379.1, NM_001368246.1); c.469C>T (NM_001885.1); short protein forms R90C, R157C.
Identifiers: ClinVar variation 641068 (VCV000641068.14), dbSNP rs374169381, ClinGen allele CA6275458.
Genomic context (GRCh38, chr11:111,908,823, plus strand): 5'-TCTATTTCTTGGGGGCTGCGGTGACAGCAGGCTTCTCTTCACGGGTGATGGGAATGGTGC[G>A]CTCAGGGCCAGAGACCTGTTTCCTTGGTCCATTCACAGTGAGGACCCCATCAGATGACAG-3'
Protein context (NP_001276737.1, residues 147-167): GPRKQVSGPE[Arg157Cys]TIPITREEKP

ClinVar aggregate classification (germline): Uncertain significance. Review status: criteria provided, multiple submitters, no conflicts (2 of 4 stars). 4 submissions from 4 submitters: Uncertain significance (4). Last evaluated 2025-07-10.

Conditions:
Cardiovascular phenotype. Identifiers: MedGen CN230736.
Dilated cardiomyopathy 1II (CMD1II). Identifiers: Orphanet 154, MedGen C3554649, MONDO:0014073, OMIM 615184.

Allele frequency attached by ClinVar (database versions not stated): gnomAD exomes 0.00003; ExAC 0.00004; ESP Exome Variant Server 0.00008.

Submissions (4):

Women's Health and Genetics/Laboratory Corporation of America, LabCorp
Classification: Uncertain significance. Last evaluated: 2025-07-10. Review status: criteria provided, single submitter. Criteria: LabCorp Variant Classification Summary - May 2015. Collection method: clinical testing. Allele origin: germline.
Comment: Variant summary: CRYAB c.469C>T (p.Arg157Cys) results in a non-conservative amino acid change located in the Alpha crystallin/Hsp20 domain (IPR002068) of the encoded protein sequence. Algorithms developed to predict the effect of missense changes on protein structure and function all suggest that this variant is likely to be disruptive. The variant allele was found at a frequency of 2.8e-05 in 251476 control chromosomes. The available data on variant occurrences in the general population are insufficient to allow any conclusion about variant significance. c.469C>T has been reported in the literature in an individual affected with Cardiomyopathy without strong evidence of causality (van Lint_2019). These report(s) do not provide unequivocal conclusions about association of the variant with Cardiomyopathy. To our knowledge, no experimental evidence demonstrating an impact on protein function has been reported. The following publication have been ascertained in the context of this evaluation (PMID: 30847666). ClinVar contains an entry for this variant (Variation ID: 641068). Based on the evidence outlined above, the variant was classified as uncertain significance.

Ambry Genetics
Classification: Uncertain significance for Cardiovascular phenotype. Last evaluated: 2025-07-03. Review status: criteria provided, single submitter. Criteria: Ambry Variant Classification Scheme 2023. Collection method: clinical testing. Allele origin: germline.
Comment: The p.R157C variant (also known as c.469C>T), located in coding exon 3 of the CRYAB gene, results from a C to T substitution at nucleotide position 469. The arginine at codon 157 is replaced by cysteine, an amino acid with highly dissimilar properties. This variant was detected in a cardiomyopathy/arrhythmia genetic testing cohort; however, clinical details were limited, and additional cardiac variants were detected in some cases (van Lint FHM et al. Neth Heart J, 2019 Jun;27:304-309). This amino acid position is highly conserved in available vertebrate species. In addition, this alteration is predicted to be deleterious by in silico analysis. Based on the available evidence, the clinical significance of this variant remains unclear.

Labcorp Genetics (formerly Invitae), Labcorp
Classification: Uncertain significance for Dilated cardiomyopathy 1II. Last evaluated: 2025-05-06. Review status: criteria provided, single submitter. Criteria: Invitae Variant Classification Sherloc (09022015). Collection method: clinical testing. Allele origin: germline.
Comment: This sequence change replaces arginine, which is basic and polar, with cysteine, which is neutral and slightly polar, at codon 157 of the CRYAB protein (p.Arg157Cys). This variant is present in population databases (rs374169381, gnomAD 0.02%). This variant has not been reported in the literature in individuals affected with CRYAB-related conditions. ClinVar contains an entry for this variant (Variation ID: 641068). An algorithm developed to predict the effect of missense changes on protein structure and function (PolyPhen-2) suggests that this variant is likely to be tolerated. In summary, the available evidence is currently insufficient to determine the role of this variant in disease. Therefore, it has been classified as a Variant of Uncertain Significance.

Revvity Omics, Revvity
Classification: Uncertain significance. Last evaluated: 2023-06-07. Review status: criteria provided, single submitter. Criteria: ACMG Guidelines, 2015. Collection method: clinical testing. Allele origin: germline.

Literature cited by the submitters: PubMed 30847666 (cited by Women's Health and Genetics/Laboratory Corporation of America, LabCorp and Ambry Genetics).